The following is an entry in ClinVar:

NM_000548.5(TSC2):c.1613C>G (p.Ser538Cys)

Gene: TSC2 (TSC complex subunit 2; plus strand). Cytogenetic location: 16p13.3.
Variant type: single nucleotide variant.
Coding change: c.1613C>G on transcript NM_000548.5 (MANE Select); coding-DNA position 1613, C replaced by G.
Protein change: p.Ser538Cys; replaces serine 538 with cysteine.
Molecular consequence: missense variant.
Genome position (GRCh38, 1-based): chr16:2,065,532, C>G. VCF-style: chr16-2065532-C-G. GRCh37 (hg19) VCF-style: chr16-2115533-C-G.
Other names: c.1613C>G, p.Ser538Cys (NM_001077183.3, NM_001114382.3, NM_001363528.2 and 3 more transcripts); c.1502C>G, p.Ser501Cys (NM_001318827.2); c.1466C>G, p.Ser489Cys (NM_001318829.2); c.1013C>G, p.Ser338Cys (NM_001318831.2); c.1646C>G, p.Ser549Cys (NM_001318832.2); short protein forms S338C, S501C, S549C, S489C, S538C.
Identifiers: ClinVar variation 640565 (VCV000640565.14), dbSNP rs201334685, ClinGen allele CA031745.

ClinVar aggregate classification (germline): Conflicting classifications of pathogenicity. Review status: criteria provided, conflicting classifications (1 of 4 stars). 2 submissions from 2 submitters: Uncertain significance (1); Benign (1). Last evaluated 2025-01-15.

Conditions:
Hereditary cancer-predisposing syndrome. Also called: Neoplastic Syndromes, Hereditary; Hereditary Cancer Syndrome; Hereditary neoplastic syndrome; Tumor predisposition. Identifiers: Orphanet 140162, MedGen C0027672, MeSH D009386, MONDO:0015356.
Tuberous sclerosis 2 (TSC2). Identifiers: Orphanet 805, MedGen C1860707, MONDO:0013199, OMIM 613254.

Allele frequency attached by ClinVar (database versions not stated): gnomAD exomes below 0.00001; ExAC 0.00001; 1000 Genomes Project 30x 0.00016; 1000 Genomes Project 0.00020.
gnomAD v4.1: 3 of 1,613,756 alleles (0.00019%); highest among the groups gnomAD compares: African/African-American, 0.0013%; no homozygotes.

Submissions (2):

Ambry Genetics
Classification: Uncertain significance for Hereditary cancer-predisposing syndrome. Last evaluated: 2025-01-15. Review status: criteria provided, single submitter. Criteria: Ambry Variant Classification Scheme 2023. Collection method: clinical testing. Allele origin: germline.
Comment: The p.S538C variant (also known as c.1613C>G), located in coding exon 15 of the TSC2 gene, results from a C to G substitution at nucleotide position 1613. The serine at codon 538 is replaced by cysteine, an amino acid with dissimilar properties. This amino acid position is conserved. In addition, the in silico prediction for this alteration is inconclusive. Since supporting evidence is limited at this time, the clinical significance of this alteration remains unclear.

Labcorp Genetics (formerly Invitae), Labcorp
Classification: Benign for Tuberous sclerosis 2. Last evaluated: 2024-04-23. Review status: criteria provided, single submitter. Criteria: Invitae Variant Classification Sherloc (09022015). Collection method: clinical testing. Allele origin: germline.